The following is an entry in ClinVar:

NM_004991.4(MECOM):c.3655G>C (p.Val1219Leu)

Gene: MECOM (MDS1 and EVI1 complex locus; minus strand). Cytogenetic location: 3q26.2.
Variant type: single nucleotide variant.
Coding change: c.3655G>C on transcript NM_004991.4 (MANE Select); coding-DNA position 3655, G replaced by C.
Protein change: p.Val1219Leu; replaces valine 1219 with leucine.
Molecular consequence: missense variant.
Genome position (GRCh38, 1-based): chr3:169,084,974, C>G on the plus strand (G>C on the coding strand, the complement: MECOM is on the minus strand). VCF-style: chr3-169084974-C-G. GRCh37 (hg19) VCF-style: chr3-168802762-C-G.
Other names: c.3286G>C, p.Val1096Leu (NM_001105077.4); c.3091G>C, p.Val1031Leu (NM_001105078.4, NM_001205194.2, NM_001366469.2 and 1 more transcripts); c.3067G>C, p.Val1023Leu (NM_001163999.2, NM_001366470.2); c.3064G>C, p.Val1022Leu (NM_001164000.2, NM_001366471.2, NM_001366472.2); c.3628G>C, p.Val1210Leu (NM_001366466.2); c.3094G>C, p.Val1032Leu (NM_001366467.2, NM_001366468.2); c.2656G>C, p.Val886Leu (NM_001366473.2); c.2092G>C, p.Val698Leu (NM_001366474.2); and 1 more; short protein forms V1023L, V1210L, V1219L, V1032L, V886L, V1031L, V1096L, V698L.
Identifiers: ClinVar variation 2600542 (VCV002600542.10), dbSNP rs200073118, ClinGen allele CA2695834.

ClinVar aggregate classification (germline): Conflicting classifications of pathogenicity. Review status: criteria provided, conflicting classifications (1 of 4 stars). 5 submissions from 5 submitters: Uncertain significance (3); Likely benign (2). Last evaluated 2025-08-14.

Conditions:
Inborn genetic diseases. Identifiers: MedGen C0950123, MeSH D030342.

Allele frequency attached by ClinVar (database versions not stated): 1000 Genomes Project 30x 0.00016; 1000 Genomes Project 0.00020.
gnomAD v4.1: 105 of 1,614,068 alleles (0.0065%); highest among the groups gnomAD compares: Non-Finnish European, 0.0086%; no homozygotes.

Submissions (5):

Ambry Genetics
Classification: Uncertain significance for Inborn genetic diseases. Last evaluated: 2025-08-14. Review status: criteria provided, single submitter. Criteria: Ambry Variant Classification Scheme 2023. Collection method: clinical testing. Allele origin: germline.

Labcorp Genetics (formerly Invitae), Labcorp
Classification: Uncertain significance. Last evaluated: 2025-05-08. Review status: criteria provided, single submitter. Criteria: Invitae Variant Classification Sherloc (09022015). Collection method: clinical testing. Allele origin: germline.
Comment: This sequence change replaces valine, which is neutral and non-polar, with leucine, which is neutral and non-polar, at codon 1031 of the MECOM protein (p.Val1031Leu). This variant is present in population databases (rs200073118, gnomAD 0.02%). This variant has not been reported in the literature in individuals affected with MECOM-related conditions. ClinVar contains an entry for this variant (Variation ID: 2600542). Experimental studies and prediction algorithms are not available or were not evaluated, and the functional significance of this variant is currently unknown. In summary, the available evidence is currently insufficient to determine the role of this variant in disease. Therefore, it has been classified as a Variant of Uncertain Significance.

Laboratory of Genetics, Children's Clinical University Hospital Latvia
Classification: Likely benign. Last evaluated: 2025-02-16. Review status: criteria provided, single submitter. Criteria: ACMG Guidelines, 2015. Collection method: clinical testing. Allele origin: germline. Affected: yes.

GeneDx
Classification: Uncertain significance. Last evaluated: 2023-12-26. Review status: criteria provided, single submitter. Criteria: GeneDx Variant Classification Process June 2021. Collection method: clinical testing. Allele origin: germline. Affected: yes.
Comment: Has not been previously published as pathogenic or benign to our knowledge; In silico analysis supports that this missense variant does not alter protein structure/function

Blueprint Genetics
Classification: Likely benign. Last evaluated: 2023-12-20. Review status: criteria provided, single submitter. Criteria: ACMG Guidelines, 2015. Collection method: clinical testing. Allele origin: germline.